The following is an entry in ClinVar:

ClinVar aggregate classification (germline): Likely benign. Review status: criteria provided, multiple submitters, no conflicts (2 of 4 stars). 2 submissions from 2 submitters: Likely benign (2). Last evaluated 2024-10-09.

Allele frequency attached by ClinVar (database versions not stated): ExAC 0.00087; gnomAD 0.00288; 1000 Genomes Project 0.00300; 1000 Genomes Project 30x 0.00328; ESP Exome Variant Server 0.00456.
gnomAD v4.1: 879 of 1,613,484 alleles (0.054%); highest among the groups gnomAD compares: African/African-American, 1%; 5 homozygotes.

Submissions (2):

Blueprint Genetics
Classification: Likely benign. Last evaluated: 2024-10-09. Review status: criteria provided, single submitter. Criteria: ACMG Guidelines, 2015. Collection method: clinical testing. Allele origin: germline.

CeGaT Center for Human Genetics Tuebingen
Classification: Likely benign. Last evaluated: 2024-09-01. Review status: criteria provided, single submitter. Criteria: CeGaT Center For Human Genetics Tuebingen Variant Classification Criteria Version 2. Collection method: clinical testing. Allele origin: germline. Affected: yes. Observed: 2 variant alleles.
Comment: RP1L1: BP4, BS1

NM_178857.6(RP1L1):c.1081G>A (p.Glu361Lys)

Gene: RP1L1 (RP1 like 1). Cytogenetic location: 8p23.1.
Variant type: single nucleotide variant.
Coding change: c.1081G>A on transcript NM_178857.6 (MANE Select); coding-DNA position 1081, G replaced by A.
Protein change: p.Glu361Lys; replaces glutamic acid 361 with lysine.
Molecular consequence: missense variant.
Genome position (GRCh38, 1-based): chr8:10,613,017, C>T on the plus strand (G>A on the coding strand, the complement: RP1L1 is on the minus strand). VCF-style: chr8-10613017-C-T. GRCh37 (hg19) VCF-style: chr8-10470527-C-T.
Other names: short protein forms E361K.
Identifiers: ClinVar variation 2658397 (VCV002658397.25), dbSNP rs202074432, ClinGen allele CA4625322.
Genomic context (GRCh38, chr8:10,613,017, plus strand): 5'-CCCCAGGCTCTGAGAAGCCCCAAGGGTAGCCCTCCCACACACAGCAGAGGGGGTCTACCT[C>T]CCCCAGAACGGGGTCTTCCCCACTGGCTGCCGTGAGGGCGCTGGCCCTGCCCATCCTCCG-3'
Protein context (NP_849188.4, residues 351-371): AASGEDPVLG[Glu361Lys]VDPLCCVWEG